The following is an entry in ClinVar:

ClinVar aggregate classification (germline): Uncertain significance (1 of 4 stars; one submission).

Conditions:
PGM1-congenital disorder of glycosylation. Also called: PGM1 DEFICIENCY; GLYCOGEN STORAGE DISEASE XIV; PHOSPHOGLUCOMUTASE 1 DEFICIENCY; CDG It; GSD XIV; Congenital disorder of glycosylation type 1t. Identifiers: Orphanet 319646, MedGen C2752015, MONDO:0013968, OMIM 614921.

Submission:

Labcorp Genetics (formerly Invitae), Labcorp
Classification: Uncertain significance for PGM1-congenital disorder of glycosylation. Last evaluated: 2022-03-25. Review status: criteria provided, single submitter. Criteria: Invitae Variant Classification Sherloc (09022015). Collection method: clinical testing. Allele origin: germline.
Comment: In summary, the available evidence is currently insufficient to determine the role of this variant in disease. Therefore, it has been classified as a Variant of Uncertain Significance. Algorithms developed to predict the effect of missense changes on protein structure and function (SIFT, PolyPhen-2, Align-GVGD) all suggest that this variant is likely to be tolerated. This variant has not been reported in the literature in individuals affected with PGM1-related conditions. This variant is not present in population databases (gnomAD no frequency). This sequence change replaces glutamic acid, which is acidic and polar, with glycine, which is neutral and non-polar, at codon 274 of the PGM1 protein (p.Glu274Gly).

NM_002633.3(PGM1):c.821A>G (p.Glu274Gly)

Gene: PGM1 (phosphoglucomutase 1; plus strand). Cytogenetic location: 1p31.3.
Variant type: single nucleotide variant.
Coding change: c.821A>G on transcript NM_002633.3 (MANE Select); coding-DNA position 821, A replaced by G.
Protein change: p.Glu274Gly; replaces glutamic acid 274 with glycine.
Molecular consequence: missense variant.
Genome position (GRCh38, 1-based): chr1:63,634,967, A>G. VCF-style: chr1-63634967-A-G. GRCh37 (hg19) VCF-style: chr1-64100638-A-G.
Other names: c.875A>G, p.Glu292Gly (NM_001172818.1); c.230A>G, p.Glu77Gly (NM_001172819.2); short protein forms E274G, E292G, E77G.
Identifiers: ClinVar variation 2107107 (VCV002107107.4), dbSNP rs1649324857, ClinGen allele CA340649953.